The following is an entry in ClinVar:

NM_004586.3(RPS6KA3):c.645_649del (p.Ser215fs)

Gene: RPS6KA3 (ribosomal protein S6 kinase A3; minus strand). Cytogenetic location: Xp22.12.
Variant type: Deletion.
Coding change: c.645_649del on transcript NM_004586.3 (MANE Select); coding-DNA positions 645 to 649, 5 bases deleted (TAAAG; older notation c.645_649delTAAAG).
Protein change: p.Ser215fs; shifts the reading frame from serine 215.
Molecular consequence: frameshift variant.
Genome position (GRCh38, 1-based): chrX:20,187,953-20,187,957, CTTTA deleted on the plus strand (TAAAG on the coding strand, the reverse complement: RPS6KA3 is on the minus strand); deleting any 5 consecutive bases within chrX:20,187,953-20,187,960 gives the same sequence; the c. name uses the placement nearest the transcript's 3' end. VCF-style (leftmost placement, unchanged base first): chrX-20187952-TCTTTA-T. GRCh37 (hg19) VCF-style: chrX-20206070-TCTTTA-T.
Other names: short protein forms S215fs.
Identifiers: ClinVar variation 817610 (VCV000817610.1), dbSNP rs1603425362, ClinGen allele CA915952355.
Genomic context (GRCh38, chrX:20,187,952, plus strand): 5'-GGAGCCATATACTCCACAGTTCCACAAAAAGAATATGCCTTCTTTTCATGGTCAATAGAC[TCTTTA>T]CTTAGGCCGAAATCTGCCAAAACAAATATCATAAATATCCTACATAAATTTGCACATGTA-3'

ClinVar aggregate classification (germline): Pathogenic (1 of 4 stars; one submission).

Submission:

GeneDx
Classification: Pathogenic. Last evaluated: 2018-12-26. Review status: criteria provided, single submitter. Criteria: GeneDx Variant Classification (06012015). Collection method: clinical testing. Allele origin: germline. Affected: yes.
Comment: The variant causes a frameshift starting with codon Serine 215, changes this amino acid to an Arginine residue, and creates a premature Stop codon at position 4 of the new reading frame, denoted p.Ser215ArgfsX4. This variant is predicted to cause loss of normal protein function either through protein truncation or nonsense-mediated mRNA decay. The c.645_649delTAAAG variant is not observed in large population cohorts (Lek et al., 2016). We interpret c.645_649delTAAAG as a pathogenic variant.